The following is an entry in ClinVar:

NM_006343.3(MERTK):c.520A>T (p.Ile174Phe)

Gene: MERTK (MER proto-oncogene, tyrosine kinase; plus strand). Cytogenetic location: 2q13.
Variant type: single nucleotide variant.
Coding change: c.520A>T on transcript NM_006343.3 (MANE Select); coding-DNA position 520, A replaced by T.
Protein change: p.Ile174Phe; replaces isoleucine 174 with phenylalanine.
Molecular consequence: missense variant.
Genome position (GRCh38, 1-based): chr2:111,944,997, A>T. VCF-style: chr2-111944997-A-T. GRCh37 (hg19) VCF-style: chr2-112702574-A-T.
Other names: short protein forms I174F.
Identifiers: ClinVar variation 811179 (VCV000811179.8), dbSNP rs775179251, ClinGen allele CA1831067.

ClinVar aggregate classification (germline): Uncertain significance (1 of 4 stars; one submission).

Conditions:
Retinitis pigmentosa 38 (RP38). Also called: ROD-CONE DYSTROPHY, CHILDHOOD-ONSET. Identifiers: Orphanet 791, MedGen C3151228, MONDO:0013469, OMIM 613862.

Allele frequency attached by ClinVar (database versions not stated): ExAC 0.00002; gnomAD exomes 0.00002.
gnomAD v4.1: 19 of 1,613,858 alleles (0.0012%); highest among the groups gnomAD compares: South Asian, 0.019%; no homozygotes.

Submission:

ARUP Laboratories, Molecular Genetics and Genomics, ARUP Laboratories
Classification: Uncertain significance for Retinitis pigmentosa 38. Last evaluated: 2019-01-03. Review status: criteria provided, single submitter. Criteria: ARUP Molecular Germline Variant Investigation Process. Collection method: clinical testing. Allele origin: germline.
Comment: The MERTK c.520A>T; p.Ile174Phe variant (rs775179251), to our knowledge, is not reported in the medical literature or gene-specific databases. The variant is described in the general population with an allele frequency of 0.002% (4/251256 alleles) in the Genome Aggregation Database. The isoleucine at this position is conserved, but at least two mammals have a phenylalanine at this position, and computational algorithms (PolyPhen-2, SIFT) predict this variant is deleterious. Additionally, this variant occurs in the extracellular Ig domain and few missense variants verified to be pathogenic occur in this region (Audo 2018). However, due to limited information, the clinical significance of this variant cannot be determined with certainty. References: Audo I et al. MERTK mutation update in inherited retinal diseases. Hum Mutat. 2018 Jul;39(7):887-913.